The following is an entry in ClinVar:

ClinVar aggregate classification (germline): Benign (1 of 4 stars; one submission).

Conditions:
Cleidocranial dysostosis (CLCD1). Also called: cleidocranial dysplasia 1; Marie-Sainton disease; Cleidocranial Dysplasia Spectrum Disorder. Identifiers: Orphanet 1452, MedGen C0008928, MONDO:0007340, OMIM 119600.

Allele frequency attached by ClinVar (database versions not stated): 1000 Genomes Project 0.00958; 1000 Genomes Project 30x 0.01046; gnomAD 0.01206 and 0.01297; TOPMed 0.01369.

Submission:

Illumina Laboratory Services, Illumina
Classification: Benign for Cleidocranial dysostosis. Last evaluated: 2018-01-13. Review status: criteria provided, single submitter. Criteria: ICSL Variant Classification Criteria 13 December 2019. Collection method: clinical testing. Allele origin: germline.
Comment: This variant was observed in the ICSL laboratory as part of a predisposition screen in an ostensibly healthy population. It had not been previously curated by ICSL or reported in the Human Gene Mutation Database (HGMD: prior to June 1st, 2018), and was therefore a candidate for classification through an automated scoring system. Utilizing variant allele frequency, disease prevalence and penetrance estimates, and inheritance mode, an automated score was calculated to assess if this variant is too frequent to cause the disease. Based on the score and internal cut-off values, a variant classified as benign is not then subjected to further curation. The score for this variant resulted in a classification of benign for this disease.

NM_001024630.4(RUNX2):c.*1084C>A

Gene: RUNX2 (RUNX family transcription factor 2; plus strand). Cytogenetic location: 6p21.1.
Variant type: single nucleotide variant.
Coding change: c.*1084C>A on transcript NM_001024630.4 (MANE Select); 1084 bases downstream of the stop codon, C replaced by A.
Molecular consequence: 3 prime UTR variant.
Genome position (GRCh38, 1-based): chr6:45,548,389, C>A. VCF-style: chr6-45548389-C-A. GRCh37 (hg19) VCF-style: chr6-45516126-C-A.
Other names: c.*1084C>A (NM_001015051.4, NM_001278478.2, NM_001369405.1).
Identifiers: ClinVar variation 357109 (VCV000357109.5), dbSNP rs6906876, ClinGen allele CA10627096.